The following is an entry in ClinVar:

NM_002693.3(POLG):c.3259G>C (p.Ala1087Pro)

Gene: POLG (DNA polymerase gamma, catalytic subunit; minus strand). Cytogenetic location: 15q26.1.
Variant type: single nucleotide variant.
Coding change: c.3259G>C on transcript NM_002693.3 (MANE Select); coding-DNA position 3259, G replaced by C.
Protein change: p.Ala1087Pro; replaces alanine 1087 with proline.
Molecular consequence: missense variant.
Genome position (GRCh38, 1-based): chr15:89,318,945, C>G on the plus strand (G>C on the coding strand, the complement: POLG is on the minus strand). VCF-style: chr15-89318945-C-G. GRCh37 (hg19) VCF-style: chr15-89862176-C-G.
Other names: c.3259G>C, p.Ala1087Pro (NM_001126131.2); short protein forms A1087P.
Identifiers: ClinVar variation 1308861 (VCV001308861.4), dbSNP rs752254929, ClinGen allele CA393750467.

ClinVar aggregate classification (germline): Uncertain significance. Review status: criteria provided, multiple submitters, no conflicts (2 of 4 stars). 2 submissions from 2 submitters: Uncertain significance (2). Last evaluated 2024-08-11.

Conditions:
Progressive sclerosing poliodystrophy (MTDPS4A). Also called: Mitochondrial DNA Depletion Syndrome 4A; Alpers-Huttenlocher Syndrome (AHS); Alpers Syndrome; ALPERS DIFFUSE DEGENERATION OF CEREBRAL GRAY MATTER WITH HEPATIC CIRRHOSIS; Alpers-Huttenlocher Syndrome; Mitochondrial DNA depletion syndrome 4A (Alpers type). Identifiers: Orphanet 726, MedGen C0205710, MONDO:0008758, OMIM 203700.

gnomAD v4.1: 1 of 1,614,146 alleles (0.000062%); highest among the groups gnomAD compares: Non-Finnish European, 0.000085%; no homozygotes.

Submissions (2):

Labcorp Genetics (formerly Invitae), Labcorp
Classification: Uncertain significance for Progressive sclerosing poliodystrophy. Last evaluated: 2024-08-11. Review status: criteria provided, single submitter. Criteria: Invitae Variant Classification Sherloc (09022015). Collection method: clinical testing. Allele origin: germline.
Comment: This sequence change replaces alanine, which is neutral and non-polar, with proline, which is neutral and non-polar, at codon 1087 of the POLG protein (p.Ala1087Pro). This variant is not present in population databases (gnomAD no frequency). This variant has not been reported in the literature in individuals affected with POLG-related conditions. ClinVar contains an entry for this variant (Variation ID: 1308861). Advanced modeling of protein sequence and biophysical properties (such as structural, functional, and spatial information, amino acid conservation, physicochemical variation, residue mobility, and thermodynamic stability) performed at Invitae indicates that this missense variant is not expected to disrupt POLG protein function with a negative predictive value of 95%. In summary, the available evidence is currently insufficient to determine the role of this variant in disease. Therefore, it has been classified as a Variant of Uncertain Significance.

GeneDx
Classification: Uncertain significance. Last evaluated: 2019-10-02. Review status: criteria provided, single submitter. Criteria: GeneDx Variant Classification Process June 2021. Collection method: clinical testing. Allele origin: germline. Affected: yes.
Comment: Not observed in large population cohorts (Lek et al., 2016); In silico analysis, which includes protein predictors and evolutionary conservation, supports that this variant does not alter protein structure/function; Has not been previously published as pathogenic or benign to our knowledge